The following is an entry in ClinVar:

ClinVar aggregate classification (germline): Uncertain significance (1 of 4 stars; one submission).

Conditions:
Duchenne muscular dystrophy (DMD). Also called: Duchenne Muscular Dystrophy (DMD); MUSCULAR DYSTROPHY, PSEUDOHYPERTROPHIC PROGRESSIVE, DUCHENNE TYPE. Identifiers: Orphanet 98896, MedGen C0013264, MONDO:0010679, OMIM 310200.

Allele frequency attached by ClinVar (database versions not stated): TOPMed below 0.00001; gnomAD exomes 0.00001; ExAC 0.00002.

Submission:

Labcorp Genetics (formerly Invitae), Labcorp
Classification: Uncertain significance for Duchenne muscular dystrophy. Last evaluated: 2024-04-25. Review status: criteria provided, single submitter. Criteria: Invitae Variant Classification Sherloc (09022015). Collection method: clinical testing. Allele origin: germline.
Comment: This sequence change replaces glutamine, which is neutral and polar, with proline, which is neutral and non-polar, at codon 1144 of the DMD protein (p.Gln1144Pro). This variant is present in population databases (rs748029344, gnomAD 0.009%). This variant has not been reported in the literature in individuals affected with DMD-related conditions. ClinVar contains an entry for this variant (Variation ID: 1461305). An algorithm developed to predict the effect of missense changes on protein structure and function (PolyPhen-2) suggests that this variant is likely to be disruptive. Algorithms developed to predict the effect of sequence changes on RNA splicing suggest that this variant may disrupt the consensus splice site. In summary, the available evidence is currently insufficient to determine the role of this variant in disease. Therefore, it has been classified as a Variant of Uncertain Significance.

NM_004006.3(DMD):c.3431A>C (p.Gln1144Pro)

Gene: DMD (dystrophin; minus strand). Cytogenetic location: Xp21.1.
Variant type: single nucleotide variant.
Coding change: c.3431A>C on transcript NM_004006.3 (MANE Select); coding-DNA position 3431, A replaced by C.
Protein change: p.Gln1144Pro; replaces glutamine 1144 with proline.
Molecular consequence: missense variant.
Genome position (GRCh38, 1-based): chrX:32,463,440, T>G on the plus strand (A>C on the coding strand, the complement: DMD is on the minus strand). VCF-style: chrX-32463440-T-G. GRCh37 (hg19) VCF-style: chrX-32481557-T-G.
Other names: c.3407A>C, p.Gln1136Pro (NM_000109.4); c.3419A>C, p.Gln1140Pro (NM_004009.3); c.3062A>C, p.Gln1021Pro (NM_004010.3); short protein forms Q1140P, Q1021P, Q1136P, Q1144P.
Identifiers: ClinVar variation 1461305 (VCV001461305.8), dbSNP rs748029344, ClinGen allele CA10379287.